The following is an entry in ClinVar:

ClinVar aggregate classification (germline): Uncertain significance. Review status: criteria provided, multiple submitters, no conflicts (2 of 4 stars). 2 submissions from 2 submitters: Uncertain significance (2). Last evaluated 2025-11-03.

Conditions:
Ciliary dyskinesia, primary, 40. Also called: CILIARY DYSKINESIA, PRIMARY, 40, WITH OR WITHOUT SITUS INVERSUS. Identifiers: MedGen C4749028, MONDO:0032664, OMIM 618300.

gnomAD v4.1: 9 of 1,613,552 alleles (0.00056%); highest among the groups gnomAD compares: Admixed American, 0.01%; no homozygotes.

Submissions (2):

Labcorp Genetics (formerly Invitae), Labcorp
Classification: Uncertain significance. Last evaluated: 2025-11-03. Review status: criteria provided, single submitter. Criteria: Invitae Variant Classification Sherloc (09022015). Collection method: clinical testing. Allele origin: germline.
Comment: This sequence change replaces alanine, which is neutral and non-polar, with valine, which is neutral and non-polar, at codon 2821 of the DNAH9 protein (p.Ala2821Val). This variant is present in population databases (rs749137867, gnomAD 0.01%). This variant has not been reported in the literature in individuals affected with DNAH9-related conditions. Invitae Evidence Modeling of protein sequence and biophysical properties (such as structural, functional, and spatial information, amino acid conservation, physicochemical variation, residue mobility, and thermodynamic stability) indicates that this missense variant is not expected to disrupt DNAH9 protein function with a negative predictive value of 80%. In summary, the available evidence is currently insufficient to determine the role of this variant in disease. Therefore, it has been classified as a Variant of Uncertain Significance.

3billion
Classification: Uncertain significance for Ciliary dyskinesia, primary, 40. Last evaluated: 2025-10-10. Review status: criteria provided, single submitter. Criteria: ACMG Guidelines, 2015. Collection method: clinical testing. Allele origin: germline. Affected: yes.
Comment: The variant is observed at an extremely low frequency in the gnomAD v4.1.0 dataset (total allele frequency: <0.001%). Predicted Consequence/Location: Missense variant In silico tool predictions suggest damaging effect of the variant on gene or gene product [3Cnet: 0.77 (> 0.75, sensitivity 0.96 and precision 0.92)]. Therefore, this variant is classified as VUS according to the recommendation of ACMG/AMP guideline.

NM_001372.4(DNAH9):c.8462C>T (p.Ala2821Val)

Gene: DNAH9 (dynein axonemal heavy chain 9; plus strand). Cytogenetic location: 17p12.
Variant type: single nucleotide variant.
Coding change: c.8462C>T on transcript NM_001372.4 (MANE Select); coding-DNA position 8462, C replaced by T.
Protein change: p.Ala2821Val; replaces alanine 2821 with valine.
Molecular consequence: missense variant.
Genome position (GRCh38, 1-based): chr17:11,807,773, C>T. VCF-style: chr17-11807773-C-T. GRCh37 (hg19) VCF-style: chr17-11711090-C-T.
Other names: short protein forms A2821V.
Identifiers: ClinVar variation 4707497 (VCV004707497.2).